The following is an entry in ClinVar:

ClinVar aggregate classification (germline): Likely pathogenic (1 of 4 stars; one submission).

Submission:

Labcorp Genetics (formerly Invitae), Labcorp
Classification: Likely pathogenic. Last evaluated: 2023-07-29. Review status: criteria provided, single submitter. Criteria: Invitae Variant Classification Sherloc (09022015). Collection method: clinical testing. Allele origin: germline.
Comment: This variant has not been reported in the literature in individuals affected with FRAS1-related conditions. This variant is not present in population databases (gnomAD no frequency). This sequence change affects an acceptor splice site in intron 44 of the FRAS1 gene. It is expected to disrupt RNA splicing. Variants that disrupt the donor or acceptor splice site typically lead to a loss of protein function (PMID: 16199547), and loss-of-function variants in FRAS1 are known to be pathogenic (PMID: 12766769, 18671281). In summary, the currently available evidence indicates that the variant is pathogenic, but additional data are needed to prove that conclusively. Therefore, this variant has been classified as Likely Pathogenic. Algorithms developed to predict the effect of sequence changes on RNA splicing suggest that this variant may disrupt the consensus splice site.

Literature cited by the submitters: PubMed 16199547; PubMed 12766769; PubMed 18671281.

NM_025074.7(FRAS1):c.6275-1G>T

Gene: FRAS1 (Fraser extracellular matrix complex subunit 1; plus strand). Cytogenetic location: 4q21.21.
Variant type: single nucleotide variant.
Coding change: c.6275-1G>T on transcript NM_025074.7 (MANE Select); the canonical splice acceptor site of the intron before coding-DNA position 6275, G replaced by T.
Molecular consequence: splice acceptor variant.
Genome position (GRCh38, 1-based): chr4:78,450,150, G>T. VCF-style: chr4-78450150-G-T. GRCh37 (hg19) VCF-style: chr4-79371304-G-T.
Identifiers: ClinVar variation 2748278 (VCV002748278.3), dbSNP rs2477230696, ClinGen allele CA357394326.